The following is an entry in ClinVar:

ClinVar aggregate classification (germline): Uncertain significance. Review status: criteria provided, multiple submitters, no conflicts (2 of 4 stars). 2 submissions from 2 submitters: Uncertain significance (2). Last evaluated 2025-02-28.

Allele frequency attached by ClinVar (database versions not stated): TOPMed below 0.00001; ExAC 0.00001; gnomAD exomes 0.00003.
gnomAD v4.1: 16 of 1,613,504 alleles (0.00099%); highest among the groups gnomAD compares: East Asian, 0.022%; no homozygotes.

Submissions (2):

Ambry Genetics
Classification: Uncertain significance. Last evaluated: 2025-02-28. Review status: criteria provided, single submitter. Criteria: Ambry Variant Classification Scheme 2023. Collection method: clinical testing. Allele origin: germline.
Comment: The p.S594T variant (also known as c.1780T>A), located in coding exon 13 of the GEN1 gene, results from a T to A substitution at nucleotide position 1780. The serine at codon 594 is replaced by threonine, an amino acid with similar properties. This amino acid position is conserved. In addition, this alteration is predicted to be tolerated by in silico analysis. Based on the available evidence, the clinical significance of this variant remains unclear.

Labcorp Genetics (formerly Invitae), Labcorp
Classification: Uncertain significance. Last evaluated: 2023-07-06. Review status: criteria provided, single submitter. Criteria: Invitae Variant Classification Sherloc (09022015). Collection method: clinical testing. Allele origin: germline.
Comment: ClinVar contains an entry for this variant (Variation ID: 2173665). This sequence change replaces serine, which is neutral and polar, with threonine, which is neutral and polar, at codon 594 of the GEN1 protein (p.Ser594Thr). This variant is present in population databases (rs753118422, gnomAD 0.01%). This variant has not been reported in the literature in individuals affected with GEN1-related conditions. An algorithm developed to predict the effect of missense changes on protein structure and function (PolyPhen-2) suggests that this variant is likely to be disruptive. In summary, the available evidence is currently insufficient to determine the role of this variant in disease. Therefore, it has been classified as a Variant of Uncertain Significance.

NM_001130009.3(GEN1):c.1780T>A (p.Ser594Thr)

Gene: GEN1 (GEN1 structure-specific endonuclease; plus strand). Cytogenetic location: 2p24.2.
Variant type: single nucleotide variant.
Coding change: c.1780T>A on transcript NM_001130009.3 (MANE Select); coding-DNA position 1780, T replaced by A.
Protein change: p.Ser594Thr; replaces serine 594 with threonine.
Molecular consequence: missense variant.
Genome position (GRCh38, 1-based): chr2:17,780,992, T>A. VCF-style: chr2-17780992-T-A. GRCh37 (hg19) VCF-style: chr2-17962259-T-A.
Other names: c.1780T>A, p.Ser594Thr (NM_182625.5); c.1780T>A (NM_001130009.1); short protein forms S594T.
Identifiers: ClinVar variation 2173665 (VCV002173665.6), dbSNP rs753118422, ClinGen allele CA1540830.